The following is an entry in ClinVar:

NM_004168.4(SDHA):c.16G>C (p.Gly6Arg)

Gene: SDHA (succinate dehydrogenase complex flavoprotein subunit A; plus strand). Cytogenetic location: 5p15.33.
Variant type: single nucleotide variant.
Coding change: c.16G>C on transcript NM_004168.4 (MANE Select); coding-DNA position 16, G replaced by C.
Protein change: p.Gly6Arg; replaces glycine 6 with arginine.
Molecular consequence: missense variant.
Genome position (GRCh38, 1-based): chr5:218,371, G>C. VCF-style: chr5-218371-G-C. GRCh37 (hg19) VCF-style: chr5-218486-G-C.
Other names: c.16G>C, p.Gly6Arg (NM_001294332.2, NM_001330758.2); short protein forms G6R.
Identifiers: ClinVar variation 1398130 (VCV001398130.8), dbSNP rs1352756438, ClinGen allele CA359007282.
Genomic context (GRCh38, chr5:218,371, plus strand): 5'-AGTCTGCGCAGGGACTGGCGGGACTGCGCGGCGGCAACAGCAGACATGTCGGGGGTCCGG[G>C]GCCTGTCGCGGCTGCTGAGCGCTCGGCGCCTGGCGCTGGCCAAGGCGGTGAGTCCGTGCC-3'
Protein context (NP_004159.2, residues 1-16): MSGVR[Gly6Arg]LSRLLSARRL

ClinVar aggregate classification (germline): Conflicting classifications of pathogenicity. Review status: criteria provided, conflicting classifications (1 of 4 stars). 2 submissions from 2 submitters: Uncertain significance (1); Likely benign (1). Last evaluated 2024-07-24.

Conditions:
Mitochondrial complex II deficiency, nuclear type 1. Also called: SUCCINATE CoQ REDUCTASE DEFICIENCY. Identifiers: Orphanet 3208, MedGen C5700310, MONDO:0100294, OMIM 252011.
Pheochromocytoma/paraganglioma syndrome 5. Also called: Paragangliomas 5; SDHA-Related Hereditary Paraganglioma-Pheochromocytoma Syndrome. Identifiers: Orphanet 29072, MedGen C3279992, MONDO:0013602, OMIM 614165.
Hereditary cancer-predisposing syndrome. Also called: Tumor predisposition; Hereditary Cancer Syndrome; Hereditary neoplastic syndrome; Neoplastic Syndromes, Hereditary. Identifiers: Orphanet 140162, MedGen C0027672, MeSH D009386, MONDO:0015356.

Submissions (2):

Labcorp Genetics (formerly Invitae), Labcorp
Classification: Uncertain significance for Pheochromocytoma/paraganglioma syndrome 5; Mitochondrial complex II deficiency, nuclear type 1. Last evaluated: 2024-07-24. Review status: criteria provided, single submitter. Criteria: Invitae Variant Classification Sherloc (09022015). Collection method: clinical testing. Allele origin: germline.
Comment: This sequence change replaces glycine, which is neutral and non-polar, with arginine, which is basic and polar, at codon 6 of the SDHA protein (p.Gly6Arg). This variant is not present in population databases (gnomAD no frequency). This variant has not been reported in the literature in individuals affected with SDHA-related conditions. ClinVar contains an entry for this variant (Variation ID: 1398130). Advanced modeling of protein sequence and biophysical properties (such as structural, functional, and spatial information, amino acid conservation, physicochemical variation, residue mobility, and thermodynamic stability) performed at Invitae indicates that this missense variant is not expected to disrupt SDHA protein function with a negative predictive value of 95%. In summary, the available evidence is currently insufficient to determine the role of this variant in disease. Therefore, it has been classified as a Variant of Uncertain Significance.

Ambry Genetics
Classification: Likely benign for Hereditary cancer-predisposing syndrome. Last evaluated: 2022-01-27. Review status: criteria provided, single submitter. Criteria: Ambry Variant Classification Scheme 2023. Collection method: clinical testing. Allele origin: germline.